The following is an entry in ClinVar:

NM_022051.3(EGLN1):c.142C>T (p.Arg48Cys)

Gene: EGLN1 (egl-9 family hypoxia inducible factor 1; minus strand). Cytogenetic location: 1q42.2.
Variant type: single nucleotide variant.
Coding change: c.142C>T on transcript NM_022051.3 (MANE Select); coding-DNA position 142, C replaced by T.
Protein change: p.Arg48Cys; replaces arginine 48 with cysteine.
Molecular consequence: missense variant.
Genome position (GRCh38, 1-based): chr1:231,421,747, G>A on the plus strand (C>T on the coding strand, the complement: EGLN1 is on the minus strand). VCF-style: chr1-231421747-G-A. GRCh37 (hg19) VCF-style: chr1-231557493-G-A.
Other names: c.142C>T, p.Arg48Cys (NM_001377260.1, NM_001377261.1); short protein forms R48C.
Identifiers: ClinVar variation 1772462 (VCV001772462.3), dbSNP rs1217342605, ClinGen allele CA345238940.
Genomic context (GRCh38, chr1:231,421,747, plus strand): 5'-CGTGGCCGAGGGCGCCCTCGCTGCCCTGGCACACGAGCTTGTGCTTCTTCCAGTCCTGAC[G>A]CTGGTGCTCCTTGCAGCAGTAGAAGGAGCTGCGGCAGCGGCTGCAGCGCAGCAGGTTCTC-3'
Protein context (NP_071334.1, residues 38-58): SSFYCCKEHQ[Arg48Cys]QDWKKHKLVC

ClinVar aggregate classification (germline): Uncertain significance (1 of 4 stars; one submission).

Allele frequency attached by ClinVar (database versions not stated): gnomAD exomes below 0.00001; gnomAD 0.00001.
gnomAD v4.1: 2 of 1,548,164 alleles (0.00013%); highest among the groups gnomAD compares: Non-Finnish European, 0.00017%; no homozygotes.

Submission:

Ambry Genetics
Classification: Uncertain significance. Last evaluated: 2024-05-18. Review status: criteria provided, single submitter. Criteria: Ambry Variant Classification Scheme 2023. Collection method: clinical testing. Allele origin: germline.
Comment: The p.R48C variant (also known as c.142C>T), located in coding exon 1 of the EGLN1 gene, results from a C to T substitution at nucleotide position 142. The arginine at codon 48 is replaced by cysteine, an amino acid with highly dissimilar properties. This amino acid position is conserved. In addition, the in silico prediction for this alteration is inconclusive. Since supporting evidence is limited at this time, the clinical significance of this alteration remains unclear.